The following is an entry in ClinVar:

NM_001267550.2(TTN):c.8938G>A (p.Ala2980Thr)

Gene: TTN (titin; minus strand). Cytogenetic location: 2q31.2.
Variant type: single nucleotide variant.
Coding change: c.8938G>A on transcript NM_001267550.2 (MANE Select); coding-DNA position 8938, G replaced by A.
Protein change: p.Ala2980Thr; replaces alanine 2980 with threonine.
Molecular consequence: missense variant.
Genome position (GRCh38, 1-based): chr2:178,768,898, C>T on the plus strand (G>A on the coding strand, the complement: TTN is on the minus strand). VCF-style: chr2-178768898-C-T. GRCh37 (hg19) VCF-style: chr2-179633625-C-T.
Other names: p.A2980T:GCT>ACT; c.8938G>A, p.Ala2980Thr (NM_001256850.1, NM_133378.4, NM_133379.5); c.8800G>A, p.Ala2934Thr (NM_003319.4, NM_133432.3, NM_133437.4); short protein forms A2980T, A2934T.
Identifiers: ClinVar variation 47578 (VCV000047578.75), dbSNP rs72647885, ClinGen allele CA141401.
Genomic context (GRCh38, chr2:178,768,898, plus strand): 5'-TGTAAGAGATGCCTTCATAGTTCACTGTCACCTCAAAAGTAATAGTGTCTTTTTCTTCAG[C>T]GTTGATGTCTTTCAGCATGGAAGTAATCATGATTGCTGCAAAGGAGAAAAGAAAAAACAC-3'
Protein context (NP_001254479.2, residues 2970-2990): MITSMLKDIN[Ala2980Thr]EEKDTITFEV

ClinVar aggregate classification (germline): Conflicting classifications of pathogenicity. Review status: criteria provided, conflicting classifications (1 of 4 stars). 22 submissions from 18 submitters: Uncertain significance (3); Benign (6); Likely benign (10). 3 of the submissions do not count toward it. Last evaluated 2026-01-31.

Conditions:
Dilated cardiomyopathy 1G (CMD1G). Identifiers: Orphanet 154, MedGen C1858763, MONDO:0011400, OMIM 604145.
Autosomal recessive limb-girdle muscular dystrophy type 2J (LGMDR10). Also called: MUSCULAR DYSTROPHY, LIMB-GIRDLE, AUTOSOMAL RECESSIVE 10; Limb-girdle muscular dystrophy, type 2J. Identifiers: Orphanet 140922, MedGen C1837342, MONDO:0012127, OMIM 608807.
Cardiovascular phenotype. Identifiers: MedGen CN230736.
TTN-related disorder. Also called: TTN-related disorders; TTN-related condition; TTN-related disease.
Cardiomyopathy (CMYO). Also called: Cardiomyopathies. Identifiers: Orphanet 167848, MedGen C0878544, MONDO:0004994, HP:0001638. Inheritance: Various modes of inheritance.
Early-onset myopathy with fatal cardiomyopathy (CMYO5). Also called: CONGENITAL MYOPATHY 5 WITH CARDIOMYOPATHY; Salih Myopathy. Identifiers: Orphanet 289377, MedGen C2673677, MONDO:0012714, OMIM 611705. Disease mechanism: loss of function.
Myopathy, myofibrillar, 9, with early respiratory failure (MFM9). Also called: Myopathy, distal, with early respiratory failure, autosomal dominant; Hereditary myopathy with early respiratory failure; MYOPATHY, PROXIMAL, WITH EARLY RESPIRATORY MUSCLE INVOLVEMENT; EDSTROM MYOPATHY. Identifiers: Orphanet 178464, Orphanet 34521, MedGen C1863599, MONDO:0011362, OMIM 603689.
Tibial muscular dystrophy (TMD). Also called: Udd Distal Myopathy – Tibial Muscular Dystrophy; Tibial muscular dystrophy, tardive; UDD MYOPATHY. Identifiers: Orphanet 609, MedGen C1838244, MONDO:0010870, OMIM 600334.

Allele frequency attached by ClinVar (database versions not stated): gnomAD exomes 0.00037 and 0.00016; gnomAD 0.00134 and 0.00127; TOPMed 0.00155; 1000 Genomes Project 0.00160; 1000 Genomes Project 30x 0.00203; ExAC 0.00038; ESP Exome Variant Server 0.00108.
gnomAD v4.1: 449 of 1,613,792 alleles (0.028%); highest among the groups gnomAD compares: African/African-American, 0.4%; 2 homozygotes.

Submissions (22):

Labcorp Genetics (formerly Invitae), Labcorp
Classification: Likely benign for Dilated cardiomyopathy 1G; Autosomal recessive limb-girdle muscular dystrophy type 2J. Last evaluated: 2026-01-31. Review status: criteria provided, single submitter. Criteria: Invitae Variant Classification Sherloc (09022015). Collection method: clinical testing. Allele origin: germline.

Molecular Diagnostic Laboratory for Inherited Cardiovascular Disease, Montreal Heart Institute
Classification: Likely benign. Last evaluated: 2025-07-24. Review status: criteria provided, single submitter. Criteria: ACMG Guidelines, 2015. Collection method: clinical testing. Allele origin: germline. Affected: no.

Women's Health and Genetics/Laboratory Corporation of America, LabCorp
Classification: Benign. Last evaluated: 2025-07-24. Review status: criteria provided, single submitter. Criteria: LabCorp Variant Classification Summary - May 2015. Collection method: clinical testing. Allele origin: germline.
Comment: Variant summary: TTN c.8938G>A (p.Ala2980Thr) results in a non-conservative amino acid change located in the I-band region of the encoded protein sequence. Algorithms developed to predict the effect of missense changes on protein structure and function are either unavailable or do not agree on the potential impact of this missense change. The variant allele was found at a frequency of 0.00028 in 1606824 control chromosomes, including 2 homozygotes. The observed variant frequency within African or African-American control individuals in the gnomAD database is approximately 10-fold of the estimated maximal expected allele frequency for a pathogenic variant in TTN causing Dilated Cardiomyopathy phenotype (0.00039). To our knowledge, no occurrence of c.8938G>A in individuals affected with Dilated Cardiomyopathy and no experimental evidence demonstrating its impact on protein function have been reported. ClinVar contains an entry for this variant (Variation ID: 47578). Based on the evidence outlined above, the variant was classified as benign.

CeGaT Center for Human Genetics Tuebingen
Classification: Likely benign. Last evaluated: 2025-01-01. Review status: criteria provided, single submitter. Criteria: CeGaT Center For Human Genetics Tuebingen Variant Classification Criteria Version 2. Collection method: clinical testing. Allele origin: germline. Affected: yes. Observed: 2 variant alleles.
Comment: TTN: BS2

Mayo Clinic Laboratories, Mayo Clinic
Classification: Benign. Last evaluated: 2024-12-05. Review status: criteria provided, single submitter. Criteria: ACMG Guidelines, 2015. Collection method: clinical testing. Allele origin: germline. Observed: 4 variant alleles.
Comment: BS1, BS2

Blueprint Genetics
Classification: Likely benign. Last evaluated: 2024-08-09. Review status: criteria provided, single submitter. Criteria: ACMG Guidelines, 2015. Collection method: clinical testing. Allele origin: germline.

CHEO Genetics Diagnostic Laboratory, Children's Hospital of Eastern Ontario
Classification: Benign for Cardiomyopathy. Last evaluated: 2023-05-16. Review status: criteria provided, single submitter. Criteria: ACMG Guidelines, 2015. Collection method: clinical testing. Allele origin: germline.

ARUP Laboratories, Molecular Genetics and Genomics, ARUP Laboratories
Classification: Likely benign. Last evaluated: 2020-08-23. Review status: criteria provided, single submitter. Criteria: ARUP Molecular Germline Variant Investigation Process. Collection method: clinical testing. Allele origin: germline.

Ambry Genetics
Classification: Likely benign for Cardiovascular phenotype. Last evaluated: 2018-12-05. Review status: criteria provided, single submitter. Criteria: Ambry Variant Classification Scheme 2023. Collection method: clinical testing. Allele origin: germline.

Illumina Laboratory Services, Illumina
Classification: Benign for Tibial muscular dystrophy. Last evaluated: 2017-09-24. Review status: criteria provided, single submitter. Criteria: ICSL Variant Classification Criteria 13 December 2019. Collection method: clinical testing. Allele origin: germline.
Comment: This variant was observed as part of a predisposition screen in an ostensibly healthy population. A literature search was performed for the gene, cDNA change, and amino acid change (where applicable). No publications were found based on this search. Allele frequency data from public databases was too high to be consistent with this variant causing disease. Therefore, this variant is classified as benign.

Illumina Laboratory Services, Illumina
Classification: Benign for Myopathy, myofibrillar, 9, with early respiratory failure. Last evaluated: 2017-09-24. Review status: criteria provided, single submitter. Criteria: ICSL Variant Classification Criteria 13 December 2019. Collection method: clinical testing. Allele origin: germline.
Comment: the same text as in the submission from Illumina Laboratory Services, Illumina above.

Illumina Laboratory Services, Illumina
Classification: Uncertain significance for Autosomal recessive limb-girdle muscular dystrophy type 2J. Last evaluated: 2017-04-28. Review status: criteria provided, single submitter. Criteria: ICSL Variant Classification Criteria 13 December 2019. Collection method: clinical testing. Allele origin: germline.

Illumina Laboratory Services, Illumina
Classification: Uncertain significance for Dilated cardiomyopathy 1G. Last evaluated: 2017-04-28. Review status: criteria provided, single submitter. Criteria: ICSL Variant Classification Criteria 13 December 2019. Collection method: clinical testing. Allele origin: germline.

Illumina Laboratory Services, Illumina
Classification: Uncertain significance for Early-onset myopathy with fatal cardiomyopathy. Last evaluated: 2017-04-28. Review status: criteria provided, single submitter. Criteria: ICSL Variant Classification Criteria 13 December 2019. Collection method: clinical testing. Allele origin: germline.

GeneDx
Classification: Likely benign. Last evaluated: 2017-03-08. Review status: criteria provided, single submitter. Criteria: GeneDx Variant Classification (06012015). Collection method: clinical testing. Allele origin: germline. Affected: yes.
Comment: This variant is considered likely benign or benign based on one or more of the following criteria: it is a conservative change, it occurs at a poorly conserved position in the protein, it is predicted to be benign by multiple in silico algorithms, and/or has population frequency not consistent with disease.

Athena Diagnostics
Classification: Benign. Last evaluated: 2017-02-07. Review status: criteria provided, single submitter. Criteria: Athena Diagnostics Criteria. Collection method: clinical testing. Allele origin: germline.

Laboratory for Molecular Medicine, Mass General Brigham Personalized Medicine
Classification: Likely benign. Last evaluated: 2016-01-26. Review status: criteria provided, single submitter. Criteria: LMM Criteria. Collection method: clinical testing. Allele origin: germline. Observed: 2 variant alleles.
Comment: p.Ala2980Thr in exon 38 of TTN: This variant is not expected to have clinical si gnificance because it is not located within the splice consensus sequence and ha s been identified in 0.3% (35/10390) of African chromosomes by the Exome Aggrega tion Consortium (ExAC; dbSNP rs72647885).

Eurofins Ntd Llc (ga)
Classification: Likely benign. Last evaluated: 2015-08-06. Review status: criteria provided, single submitter. Criteria: EGL Classification Definitions 2015. Collection method: clinical testing. Allele origin: germline. Observed: 2 variant alleles, 2 heterozygotes.

Biesecker Lab/Clinical Genomics Section, National Institutes of Health
Classification: Likely benign. Last evaluated: 2013-06-24. Review status: criteria provided, single submitter. Criteria: Ng et al. (Circ Cardiovasc Genet. 2013). Collection method: research. Allele origin: unknown. Observed: 2 variant alleles. Study: ClinSeq.
Comment: The study set was not selected for affection status in relation to any cancer. Pathogenicity categories were based on literature curation. See Pubmed ID:23861362 for details.

Medical sequencing

PreventionGenetics, part of Exact Sciences
Classification: Likely benign for TTN-related condition. Last evaluated: 2020-02-28. Review status: no assertion criteria provided. Collection method: clinical testing. Allele origin: germline. Not counted in ClinVar's aggregate classification.
Comment: This variant is classified as likely benign based on ACMG/AMP sequence variant interpretation guidelines (Richards et al. 2015 PMID: 25741868, with internal and published modifications).

Clinical Genetics DNA and cytogenetics Diagnostics Lab, Erasmus MC, Erasmus Medical Center
Classification: Likely benign. Review status: no assertion criteria provided. Collection method: clinical testing. Allele origin: germline. Affected: yes. Study: VKGL Data-share Consensus. Not counted in ClinVar's aggregate classification.

Clinical Genetics, Academic Medical Center
Classification: Likely benign. Review status: no assertion criteria provided. Collection method: clinical testing. Allele origin: germline. Affected: yes. Study: VKGL Data-share Consensus. Not counted in ClinVar's aggregate classification.

Literature cited by the submitters: PubMed 23861362 (cited by Athena Diagnostics).